The following is an entry in ClinVar:

ClinVar aggregate classification (germline): Uncertain significance (1 of 4 stars; one submission).

Conditions:
Dyskeratosis congenita, autosomal recessive 6 (DKCB6). Identifiers: MedGen C4225356, MONDO:0014600, OMIM 616353.
Pulmonary fibrosis and/or bone marrow failure, Telomere-related, 4. Also called: PULMONARY FIBROSIS AND/OR BONE MARROW FAILURE SYNDROME, TELOMERE-RELATED, 4. Identifiers: Orphanet 2032, MedGen C4225347, MONDO:0014612, OMIM 616371.

Allele frequency attached by ClinVar (database versions not stated): gnomAD exomes below 0.00001.
gnomAD v4.1: 3 of 1,602,284 alleles (0.00019%); highest among the groups gnomAD compares: East Asian, 0.0045%; no homozygotes.

Submission:

Labcorp Genetics (formerly Invitae), Labcorp
Classification: Uncertain significance for Dyskeratosis congenita, autosomal recessive 6; Pulmonary fibrosis and/or bone marrow failure, Telomere-related, 4. Last evaluated: 2022-06-21. Review status: criteria provided, single submitter. Criteria: Invitae Variant Classification Sherloc (09022015). Collection method: clinical testing. Allele origin: germline.
Comment: Algorithms developed to predict the effect of missense changes on protein structure and function are either unavailable or do not agree on the potential impact of this missense change (SIFT: "Deleterious"; PolyPhen-2: "Benign"; Align-GVGD: "Class C0"). In summary, the available evidence is currently insufficient to determine the role of this variant in disease. Therefore, it has been classified as a Variant of Uncertain Significance. This sequence change replaces serine, which is neutral and polar, with leucine, which is neutral and non-polar, at codon 39 of the PARN protein (p.Ser39Leu). This variant is present in population databases (no rsID available, gnomAD 0.006%). This variant has not been reported in the literature in individuals affected with PARN-related conditions.

NM_002582.4(PARN):c.116C>T (p.Ser39Leu)

Gene: PARN (poly(A)-specific ribonuclease; minus strand). Cytogenetic location: 16p13.12.
Variant type: single nucleotide variant.
Coding change: c.116C>T on transcript NM_002582.4 (MANE Select); coding-DNA position 116, C replaced by T.
Protein change: p.Ser39Leu; replaces serine 39 with leucine.
Molecular consequence: missense variant. On other transcripts: 5 prime UTR variant (1).
Genome position (GRCh38, 1-based): chr16:14,628,233, G>A on the plus strand (C>T on the coding strand, the complement: PARN is on the minus strand). VCF-style: chr16-14628233-G-A. GRCh37 (hg19) VCF-style: chr16-14722090-G-A.
Other names: c.-68C>T (NM_001134477.3); c.116C>T, p.Ser39Leu (NM_001242992.2); short protein forms S39L.
Identifiers: ClinVar variation 2164416 (VCV002164416.4), dbSNP rs1398756916, ClinGen allele CA394817075.